The following is an entry in ClinVar:

ClinVar aggregate classification (germline): Uncertain significance (1 of 4 stars; one submission).

Conditions:
Charcot-Marie-Tooth disease X-linked dominant 6. Also called: CHARCOT-MARIE-TOOTH NEUROPATHY, X-LINKED DOMINANT, 6. Identifiers: Orphanet 352675, MedGen C3806702, MONDO:0010479, OMIM 300905.

Allele frequency attached by ClinVar (database versions not stated): gnomAD exomes below 0.00001.
gnomAD v4.1: 3 of 1,210,120 alleles (0.00025%); highest among the groups gnomAD compares: Non-Finnish European, 0.00034%; no homozygotes.

Submission:

Labcorp Genetics (formerly Invitae), Labcorp
Classification: Uncertain significance for Charcot-Marie-Tooth disease X-linked dominant 6. Last evaluated: 2023-03-09. Review status: criteria provided, single submitter. Criteria: Invitae Variant Classification Sherloc (09022015). Collection method: clinical testing. Allele origin: germline.
Comment: In summary, the available evidence is currently insufficient to determine the role of this variant in disease. Therefore, it has been classified as a Variant of Uncertain Significance. An algorithm developed to predict the effect of missense changes on protein structure and function (PolyPhen-2) suggests that this variant is likely to be tolerated. This variant has not been reported in the literature in individuals affected with PDK3-related conditions. This variant is not present in population databases (gnomAD no frequency). This sequence change replaces aspartic acid, which is acidic and polar, with asparagine, which is neutral and polar, at codon 387 of the PDK3 protein (p.Asp387Asn).

NM_005391.5(PDK3):c.1159G>A (p.Asp387Asn)

Gene: PDK3 (pyruvate dehydrogenase kinase 3; plus strand). Cytogenetic location: Xp22.11.
Variant type: single nucleotide variant.
Coding change: c.1159G>A on transcript NM_005391.5 (MANE Select); coding-DNA position 1159, G replaced by A.
Protein change: p.Asp387Asn; replaces aspartic acid 387 with asparagine.
Molecular consequence: missense variant.
Genome position (GRCh38, 1-based): chrX:24,534,010, G>A. VCF-style: chrX-24534010-G-A. GRCh37 (hg19) VCF-style: chrX-24552127-G-A.
Other names: c.1159G>A, p.Asp387Asn (NM_001142386.3); short protein forms D387N.
Identifiers: ClinVar variation 3007373 (VCV003007373.3), dbSNP rs2518594127, ClinGen allele CA412603785.